The following is an entry in ClinVar:

NC_000008.10:g.(?_30989871)_(30990032_?)del

Gene: WRN (WRN RecQ like helicase; plus strand). Cytogenetic location: 8p12.
Variant type: Deletion.
Identifiers: ClinVar variation 1452590 (VCV001452590.3).

ClinVar aggregate classification (germline): Pathogenic (1 of 4 stars; one submission).

Conditions:
Werner syndrome (WRN). Identifiers: Orphanet 902, MedGen C0043119, MONDO:0010196, OMIM 277700.

Submission:

Labcorp Genetics (formerly Invitae), Labcorp
Classification: Pathogenic for Werner syndrome. Last evaluated: 2021-08-20. Review status: criteria provided, single submitter. Criteria: Invitae Variant Classification Sherloc (09022015). Collection method: clinical testing. Allele origin: germline.
Comment: This variant is a gross deletion of the genomic region encompassing exon(s) 24 of the WRN gene. This deletion is out-of-frame, and is expected to create a premature termination codon and result in an absent or disrupted protein product. Loss-of-function variants in WRN are known to be pathogenic (PMID: 16673358). This variant has not been reported in the literature in individuals affected with WRN-related conditions. For these reasons, this variant has been classified as Pathogenic.

Literature cited by the submitters: PubMed 16673358.